The following is an entry in ClinVar:

NM_001379500.1(COL18A1):c.475G>A (p.Val159Ile)

Gene: COL18A1 (collagen type XVIII alpha 1 chain; plus strand). Cytogenetic location: 21q22.3.
Variant type: single nucleotide variant.
Coding change: c.475G>A on transcript NM_001379500.1 (MANE Select); coding-DNA position 475, G replaced by A.
Protein change: p.Val159Ile; replaces valine 159 with isoleucine.
Molecular consequence: missense variant.
Genome position (GRCh38, 1-based): chr21:45,468,610, G>A. VCF-style: chr21-45468610-G-A. GRCh37 (hg19) VCF-style: chr21-46888524-G-A.
Other names: NM_130445.2:c.475G>A; c.1015G>A, p.Val339Ile (NM_030582.4); c.1720G>A, p.Val574Ile (NM_130444.3); short protein forms V574I, V339I, V159I.
Identifiers: ClinVar variation 1404530 (VCV001404530.5), dbSNP rs563096347, ClinGen allele CA10065758.

ClinVar aggregate classification (germline): Uncertain significance. Review status: criteria provided, multiple submitters, no conflicts (2 of 4 stars). 2 submissions from 2 submitters: Uncertain significance (2). Last evaluated 2025-12-15.

Conditions:
Inborn genetic diseases. Identifiers: MedGen C0950123, MeSH D030342.

Allele frequency attached by ClinVar (database versions not stated): gnomAD 0.00001 and 0.00002; gnomAD exomes 0.00001 and 0.00002; ExAC 0.00002; TOPMed 0.00002; 1000 Genomes Project 0.00020; 1000 Genomes Project 30x 0.00031.
gnomAD v4.1: 28 of 1,613,884 alleles (0.0017%); highest among the groups gnomAD compares: African/African-American, 0.004%; no homozygotes.

Submissions (2):

Ambry Genetics
Classification: Uncertain significance for Inborn genetic diseases. Last evaluated: 2025-12-15. Review status: criteria provided, single submitter. Criteria: Ambry Variant Classification Scheme 2023. Collection method: clinical testing. Allele origin: germline.

Labcorp Genetics (formerly Invitae), Labcorp
Classification: Uncertain significance. Last evaluated: 2022-08-13. Review status: criteria provided, single submitter. Criteria: Invitae Variant Classification Sherloc (09022015). Collection method: clinical testing. Allele origin: germline.
Comment: This sequence change replaces valine, which is neutral and non-polar, with isoleucine, which is neutral and non-polar, at codon 159 of the COL18A1 protein (p.Val159Ile). This variant is present in population databases (rs563096347, gnomAD 0.008%). This variant has not been reported in the literature in individuals affected with COL18A1-related conditions. ClinVar contains an entry for this variant (Variation ID: 1404530). Experimental studies and prediction algorithms are not available or were not evaluated, and the functional significance of this variant is currently unknown. In summary, the available evidence is currently insufficient to determine the role of this variant in disease. Therefore, it has been classified as a Variant of Uncertain Significance.